The following is an entry in ClinVar:

ClinVar aggregate classification (germline): Uncertain significance. Review status: criteria provided, multiple submitters, no conflicts (2 of 4 stars). 2 submissions from 2 submitters: Uncertain significance (2). Last evaluated 2023-11-15.

Conditions:
Wilson disease (WND). Also called: Wilson's disease. Identifiers: Orphanet 905, MedGen C0019202, MONDO:0010200, OMIM 277900. Disease mechanism: loss of function.

Allele frequency attached by ClinVar (database versions not stated): gnomAD 0.00001; 1000 Genomes Project 30x 0.00016; 1000 Genomes Project 0.00020.
gnomAD v4.1: 1 of 1,614,114 alleles (0.000062%); highest among the groups gnomAD compares: South Asian, 0.0011%; no homozygotes.

Submissions (2):

Color Diagnostics, LLC DBA Color Health
Classification: Uncertain significance for Wilson disease. Last evaluated: 2023-11-15. Review status: criteria provided, single submitter. Criteria: ACMG Guidelines, 2015. Collection method: clinical testing. Allele origin: germline.
Comment: This missense variant replaces tyrosine with cysteine at codon 594 of the ATP7B protein. Computational prediction suggests that this variant may not impact protein structure and function. To our knowledge, functional studies have not been reported for this variant. This variant has not been reported in individuals affected with ATP7B-related disorders in the literature. This variant has not been identified in the general population by the Genome Aggregation Database (gnomAD). The available evidence is insufficient to determine the role of this variant in disease conclusively. Therefore, this variant is classified as a Variant of Uncertain Significance.

Labcorp Genetics (formerly Invitae), Labcorp
Classification: Uncertain significance for Wilson disease. Last evaluated: 2022-11-22. Review status: criteria provided, single submitter. Criteria: Invitae Variant Classification Sherloc (09022015). Collection method: clinical testing. Allele origin: germline.
Comment: This variant is not present in population databases (gnomAD no frequency). This sequence change replaces tyrosine, which is neutral and polar, with cysteine, which is neutral and slightly polar, at codon 594 of the ATP7B protein (p.Tyr594Cys). Advanced modeling of protein sequence and biophysical properties (such as structural, functional, and spatial information, amino acid conservation, physicochemical variation, residue mobility, and thermodynamic stability) performed at Invitae indicates that this missense variant is not expected to disrupt ATP7B protein function. In summary, the available evidence is currently insufficient to determine the role of this variant in disease. Therefore, it has been classified as a Variant of Uncertain Significance. This variant has not been reported in the literature in individuals affected with ATP7B-related conditions.

NM_000053.4(ATP7B):c.1781A>G (p.Tyr594Cys)

Gene: ATP7B (ATPase copper transporting beta; minus strand). Cytogenetic location: 13q14.3.
Variant type: single nucleotide variant.
Coding change: c.1781A>G on transcript NM_000053.4 (MANE Select); coding-DNA position 1781, A replaced by G.
Protein change: p.Tyr594Cys; replaces tyrosine 594 with cysteine.
Molecular consequence: missense variant.
Genome position (GRCh38, 1-based): chr13:51,964,960, T>C on the plus strand (A>G on the coding strand, the complement: ATP7B is on the minus strand). VCF-style: chr13-51964960-T-C. GRCh37 (hg19) VCF-style: chr13-52539096-T-C.
Other names: c.1781A>G, p.Tyr594Cys (NM_001406516.1, NM_001406519.1, NM_001406520.1 and 24 more transcripts); c.1685A>G, p.Tyr562Cys (NM_001406517.1, NM_001406518.1, NM_001406530.1 and 3 more transcripts); c.1448A>G, p.Tyr483Cys (NM_001243182.2); c.1748A>G, p.Tyr583Cys (NM_001406514.1, NM_001406524.1); c.1352A>G, p.Tyr451Cys (NM_001406539.1); short protein forms Y483C, Y562C, Y583C, Y594C, Y451C.
Identifiers: ClinVar variation 1979422 (VCV001979422.4), dbSNP rs575444351, ClinGen allele CA250061586.
Genomic context (GRCh38, chr13:51,964,960, plus strand): 5'-CCGATAATTTCCGGGTCAAACTTAACAAGGGCTTTGCTGGTGGCAAGGGCAACGGAGGCA[T>C]AAGTGATGCCATTTGTCCTCGTGAGTTTGGACTCTATGTTGTGGACACAGGACGCGCAGG-3'
Protein context (NP_000044.2, residues 584-604): SKLTRTNGIT[Tyr594Cys]ASVALATSKA